The following is an entry in ClinVar:

ClinVar aggregate classification (germline): Uncertain significance. Review status: criteria provided, multiple submitters, no conflicts (2 of 4 stars). 2 submissions from 2 submitters: Uncertain significance (2). Last evaluated 2025-01-08.

Conditions:
Inborn genetic diseases. Identifiers: MedGen C0950123, MeSH D030342.

Allele frequency attached by ClinVar (database versions not stated): TOPMed below 0.00001; gnomAD 0.00001; 1000 Genomes Project 30x 0.00016.
gnomAD v4.1: 6 of 1,550,534 alleles (0.00039%); highest among the groups gnomAD compares: East Asian, 0.0025%; no homozygotes.

Submissions (2):

Labcorp Genetics (formerly Invitae), Labcorp
Classification: Uncertain significance. Last evaluated: 2025-01-08. Review status: criteria provided, single submitter. Criteria: Invitae Variant Classification Sherloc (09022015). Collection method: clinical testing. Allele origin: germline.
Comment: This sequence change replaces arginine, which is basic and polar, with leucine, which is neutral and non-polar, at codon 3108 of the UNC80 protein (p.Arg3108Leu). This variant is not present in population databases (gnomAD no frequency). This variant has not been reported in the literature in individuals affected with UNC80-related conditions. ClinVar contains an entry for this variant (Variation ID: 1520390). Invitae Evidence Modeling of protein sequence and biophysical properties (such as structural, functional, and spatial information, amino acid conservation, physicochemical variation, residue mobility, and thermodynamic stability) indicates that this missense variant is not expected to disrupt UNC80 protein function with a negative predictive value of 80%. In summary, the available evidence is currently insufficient to determine the role of this variant in disease. Therefore, it has been classified as a Variant of Uncertain Significance.

Ambry Genetics
Classification: Uncertain significance for Inborn genetic diseases. Last evaluated: 2024-03-18. Review status: criteria provided, single submitter. Criteria: Ambry Variant Classification Scheme 2023. Collection method: clinical testing. Allele origin: germline.

NM_001371986.1(UNC80):c.9521G>T (p.Arg3174Leu)

Gene: UNC80 (unc-80 subunit of NALCN channel complex; plus strand). Cytogenetic location: 2q34.
Variant type: single nucleotide variant.
Coding change: c.9521G>T on transcript NM_001371986.1 (MANE Select); coding-DNA position 9521, G replaced by T.
Protein change: p.Arg3174Leu; replaces arginine 3174 with leucine.
Molecular consequence: missense variant.
Genome position (GRCh38, 1-based): chr2:209,994,077, G>T. VCF-style: chr2-209994077-G-T. GRCh37 (hg19) VCF-style: chr2-210858801-G-T.
Other names: c.9323G>T (NM_032504.1); c.9323G>T, p.Arg3108Leu (NM_032504.2); c.9251G>T, p.Arg3084Leu (NM_182587.4); short protein forms R3174L, R3108L, R3084L.
Identifiers: ClinVar variation 1520390 (VCV001520390.6), dbSNP rs191830048, ClinGen allele CA64665397.